The following is an entry in ClinVar:

NM_015272.5(RPGRIP1L):c.2723G>A (p.Gly908Asp)

Gene: RPGRIP1L (RPGRIP1 like; minus strand). Cytogenetic location: 16q12.2.
Variant type: single nucleotide variant.
Coding change: c.2723G>A on transcript NM_015272.5 (MANE Select); coding-DNA position 2723, G replaced by A.
Protein change: p.Gly908Asp; replaces glycine 908 with aspartic acid.
Molecular consequence: missense variant.
Genome position (GRCh38, 1-based): chr16:53,641,436, C>T on the plus strand (G>A on the coding strand, the complement: RPGRIP1L is on the minus strand). VCF-style: chr16-53641436-C-T. GRCh37 (hg19) VCF-style: chr16-53675348-C-T.
Other names: c.2723G>A, p.Gly908Asp (NM_001127897.4, NM_001308334.3, NM_001330538.2); c.2723G>A (NM_015272.4); short protein forms G908D.
Identifiers: ClinVar variation 1415632 (VCV001415632.8), dbSNP rs1478290807, ClinGen allele CA395927424.

ClinVar aggregate classification (germline): Conflicting classifications of pathogenicity. Review status: criteria provided, conflicting classifications (1 of 4 stars). 2 submissions from 2 submitters: Likely pathogenic (1); Uncertain significance (1). Last evaluated 2024-10-24.

Conditions:
Joubert syndrome. Also called: CEREBELLOPARENCHYMAL DISORDER IV; JOUBERT-BOLTSHAUSER SYNDROME; Familial aplasia of the vermis. Identifiers: Orphanet 475, MedGen C5979921, MONDO:0018772.
Meckel-Gruber syndrome. Also called: DYSENCEPHALIA SPLANCHNOCYSTICA; GRUBER SYNDROME; Dysencephalia splachnocystica. Identifiers: Orphanet 564, MedGen C0265215, MONDO:0018921.
Joubert syndrome 7 (JBTS7). Identifiers: Orphanet 220497, MedGen C1969053, MONDO:0012694, OMIM 611560.

Allele frequency attached by ClinVar (database versions not stated): TOPMed below 0.00001; gnomAD 0.00001.
gnomAD v4.1: 12 of 1,613,676 alleles (0.00074%); highest among the groups gnomAD compares: Non-Finnish European, 0.001%; no homozygotes.

Submissions (2):

Victorian Clinical Genetics Services, Murdoch Childrens Research Institute
Classification: Likely pathogenic for Joubert syndrome 7. Last evaluated: 2024-10-24. Review status: criteria provided, single submitter. Criteria: ACMG Guidelines, 2015. Collection method: clinical testing. Allele origin: germline. Affected: yes.
Comment: This variant is classified as Likely pathogenic. Evidence in support of pathogenic classification: Variant is present in gnomAD (v4) <0.01 for a recessive condition (12 heterozygote, 0 homozygotes); Another missense variant comparable to the one identified in this case has limited previous evidence for pathogenicity. The p.(Gly908Val) variant has been reported in a compound heterozygous state in an individual with Joubert syndrome (PMID: 37993833); Missense variant consistently predicted to be damaging by in silico tool or highly conserved with a major amino acid change; Strong phenotype match for this individual. Additional information: Variant is predicted to result in a missense amino acid change from glycine to aspartic acid; This variant is homozygous; This gene is associated with autosomal recessive disease; An alternative amino acid change at the same position has been observed in gnomAD (v4) (1 heterozygote(s), 0 homozygote(s)); Previous evidence of pathogenicity for this variant is inconclusive. This variant has been classified once as a VUS by a clinical laboratory in ClinVar, where it was observed in a heterozygous state (ClinVar, personal communication); No published segregation evidence has been identified for this variant; No published functional evidence has been identified for this variant; Variant is not located in an established domain, motif, hotspot or informative constraint region; Loss of function is a known mechanism of disease in this gene and is associated with Joubert syndrome 7 (MIM#611560) and Meckel syndrome 5 (MIM#611561).

Labcorp Genetics (formerly Invitae), Labcorp
Classification: Uncertain significance for Joubert syndrome; Meckel-Gruber syndrome. Last evaluated: 2022-05-03. Review status: criteria provided, single submitter. Criteria: Invitae Variant Classification Sherloc (09022015). Collection method: clinical testing. Allele origin: germline.
Comment: This sequence change replaces glycine, which is neutral and non-polar, with aspartic acid, which is acidic and polar, at codon 908 of the RPGRIP1L protein (p.Gly908Asp). This variant is not present in population databases (gnomAD no frequency). This variant has not been reported in the literature in individuals affected with RPGRIP1L-related conditions. Algorithms developed to predict the effect of missense changes on protein structure and function are either unavailable or do not agree on the potential impact of this missense change (SIFT: "Deleterious"; PolyPhen-2: "Probably Damaging"; Align-GVGD: "Class C15"). In summary, the available evidence is currently insufficient to determine the role of this variant in disease. Therefore, it has been classified as a Variant of Uncertain Significance.

Literature cited by the submitters: PubMed 37993833 (cited by Victorian Clinical Genetics Services, Murdoch Childrens Research Institute).